The following is an entry in ClinVar:

NM_001363711.2(DUOX2):c.2354C>T (p.Ala785Val)

Gene: DUOX2 (dual oxidase 2; minus strand). Cytogenetic location: 15q21.1.
Variant type: single nucleotide variant.
Coding change: c.2354C>T on transcript NM_001363711.2 (MANE Select); coding-DNA position 2354, C replaced by T.
Protein change: p.Ala785Val; replaces alanine 785 with valine.
Molecular consequence: missense variant.
Genome position (GRCh38, 1-based): chr15:45,104,346, G>A on the plus strand (C>T on the coding strand, the complement: DUOX2 is on the minus strand). VCF-style: chr15-45104346-G-A. GRCh37 (hg19) VCF-style: chr15-45396544-G-A.
Other names: c.2354C>T, p.Ala785Val (NM_014080.5); short protein forms A785V.
Identifiers: ClinVar variation 1958488 (VCV001958488.5), dbSNP rs761484669, ClinGen allele CA7538273.

ClinVar aggregate classification (germline): Uncertain significance (1 of 4 stars; one submission).

Allele frequency attached by ClinVar (database versions not stated): ExAC 0.00001.

Submission:

Labcorp Genetics (formerly Invitae), Labcorp
Classification: Uncertain significance. Last evaluated: 2024-09-16. Review status: criteria provided, single submitter. Criteria: Invitae Variant Classification Sherloc (09022015). Collection method: clinical testing. Allele origin: germline.
Comment: This sequence change replaces alanine, which is neutral and non-polar, with valine, which is neutral and non-polar, at codon 785 of the DUOX2 protein (p.Ala785Val). This variant is present in population databases (rs761484669, gnomAD 0.01%). This variant has not been reported in the literature in individuals affected with DUOX2-related conditions. ClinVar contains an entry for this variant (Variation ID: 1958488). Invitae Evidence Modeling of protein sequence and biophysical properties (such as structural, functional, and spatial information, amino acid conservation, physicochemical variation, residue mobility, and thermodynamic stability) indicates that this missense variant is not expected to disrupt DUOX2 protein function with a negative predictive value of 80%. In summary, the available evidence is currently insufficient to determine the role of this variant in disease. Therefore, it has been classified as a Variant of Uncertain Significance.